The following is an entry in ClinVar:

NM_000350.3(ABCA4):c.2012_2013del (p.Val671fs)

Gene: ABCA4 (ATP binding cassette subfamily A member 4; minus strand). Cytogenetic location: 1p22.1.
Variant type: Microsatellite.
Coding change: c.2012_2013del on transcript NM_000350.3 (MANE Select); coding-DNA positions 2012 to 2013, 2 bases deleted (TG; older notation c.2012_2013delTG).
Protein change: p.Val671fs; shifts the reading frame from valine 671.
Molecular consequence: frameshift variant.
Genome position (GRCh38, 1-based): chr1:94,060,684-94,060,685, CA deleted on the plus strand (TG on the coding strand, the reverse complement: ABCA4 is on the minus strand); deleting any 2 consecutive bases within chr1:94,060,684-94,060,687 gives the same sequence; the c. name uses the placement nearest the transcript's 3' end. VCF-style (leftmost placement, unchanged base first): chr1-94060683-TCA-T. GRCh37 (hg19) VCF-style: chr1-94526239-TCA-T.
Other names: c.2010_2011TG[1], p.Val671Glufs (NM_001425324.1); short protein forms V671fs.
Identifiers: ClinVar variation 813129 (VCV000813129.4), dbSNP rs1661098509, ClinGen allele CA1139656230.

ClinVar aggregate classification (germline): Pathogenic/Likely pathogenic. Review status: criteria provided, multiple submitters, no conflicts (2 of 4 stars). 3 submissions from 3 submitters: Pathogenic (2); Likely pathogenic (1). Last evaluated 2024-08-20.

Conditions:
ABCA4-related disorder. Also called: ABCA4-related condition; ABCA4-related disorders. Identifiers: MedGen CN239167.
Retinitis pigmentosa (RP). Identifiers: Orphanet 791, MedGen C0035334, MeSH D012174, MONDO:0019200, OMIM 268000. Inheritance: Autosomal dominant, autosomal recessive and X linked inheritance.
Severe early-childhood-onset retinal dystrophy (STGD1). Also called: Stargardt macular dystrophy; Juvenile onset macular degeneration; Stargardt disease 1; MACULAR DYSTROPHY WITH FLECKS, TYPE 1; STGD. Identifiers: Orphanet 364055, Orphanet 827, MedGen C1855465, MeSH D000080362, MONDO:0009549, OMIM 248200.

Submissions (3):

Institute of Human Genetics, University of Leipzig Medical Center
Classification: Pathogenic for Severe early-childhood-onset retinal dystrophy. Last evaluated: 2024-08-20. Review status: criteria provided, single submitter. Criteria: ACMG Guidelines, 2015. Collection method: clinical testing. Allele origin: maternal. Inheritance: Autosomal recessive inheritance. Affected: yes.
Comment: Criteria applied: PVS1,PM2,PM3; Identified as compund heterozygous with NM_000350.3:c.4919G>A

Blueprint Genetics
Classification: Likely pathogenic for ABCA4-related disorders. Last evaluated: 2022-06-27. Review status: criteria provided, single submitter. Criteria: ACMG Guidelines, 2015. Collection method: clinical testing. Allele origin: germline. Affected: yes. Observed: 2 variant alleles.

Molecular Genetics Laboratory, Institute for Ophthalmic Research
Classification: Pathogenic for Retinitis pigmentosa. Last evaluated: 2020-01-09. Review status: criteria provided, single submitter. Criteria: ACMG Guidelines, 2015. Collection method: research. Allele origin: germline. Affected: yes.